The following is an entry in ClinVar:

ClinVar aggregate classification (germline): Uncertain significance (1 of 4 stars; one submission).

Conditions:
Inborn genetic diseases. Identifiers: MedGen C0950123, MeSH D030342.

Submission:

Ambry Genetics
Classification: Uncertain significance for Inborn genetic diseases. Last evaluated: 2023-11-08. Review status: criteria provided, single submitter. Criteria: Ambry Variant Classification Scheme 2023. Collection method: clinical testing. Allele origin: germline.
Comment: The p.K2200R variant (also known as c.6599A>G), located in coding exon 39 of the ATR gene, results from an A to G substitution at nucleotide position 6599. The lysine at codon 2200 is replaced by arginine, an amino acid with highly similar properties. This amino acid position is conserved. In addition, this alteration is predicted to be tolerated by in silico analysis. Since supporting evidence is limited at this time, the clinical significance of this alteration remains unclear.

NM_001184.4(ATR):c.6599A>G (p.Lys2200Arg)

Gene: ATR (ATR checkpoint kinase; minus strand). Cytogenetic location: 3q23.
Variant type: single nucleotide variant.
Coding change: c.6599A>G on transcript NM_001184.4 (MANE Select); coding-DNA position 6599, A replaced by G.
Protein change: p.Lys2200Arg; replaces lysine 2200 with arginine.
Molecular consequence: missense variant.
Genome position (GRCh38, 1-based): chr3:142,468,022, T>C on the plus strand (A>G on the coding strand, the complement: ATR is on the minus strand). VCF-style: chr3-142468022-T-C. GRCh37 (hg19) VCF-style: chr3-142186864-T-C.
Other names: c.6407A>G, p.Lys2136Arg (NM_001354579.2); short protein forms K2136R, K2200R.
Identifiers: ClinVar variation 3221254 (VCV003221254.1), dbSNP rs2108276144, ClinGen allele CA354803644.